The following is an entry in ClinVar:

ClinVar aggregate classification (germline): Uncertain significance (1 of 4 stars; one submission).

Conditions:
Cardiomyopathy (CMYO). Also called: Cardiomyopathies. Identifiers: Orphanet 167848, MedGen C0878544, MONDO:0004994, HP:0001638. Inheritance: Various modes of inheritance.

Submission:

Color Diagnostics, LLC DBA Color Health
Classification: Uncertain significance for Cardiomyopathy. Last evaluated: 2024-04-29. Review status: criteria provided, single submitter. Criteria: ACMG Guidelines, 2015. Collection method: clinical testing. Allele origin: germline.
Comment: This variant changes 1 nucleotide in exon 27 of the MYH7 gene, creating a premature translation stop signal. This variant is expected to result in an absent or non-functional protein product. To our knowledge, this variant has not been reported in individuals affected with MYH7-related disorders in the literature. This variant has not been identified in the general population by the Genome Aggregation Database (gnomAD). Clinical relevance of loss-of-function MYH7 truncation variants in autosomal dominant cardiovascular disorders is not clearly established. The available evidence is insufficient to determine the role of this variant in disease conclusively. Therefore, this variant is classified as a Variant of Uncertain Significance.

NM_000257.4(MYH7):c.3514C>T (p.Gln1172Ter)

Gene: MYH7 (myosin heavy chain 7; minus strand). Cytogenetic location: 14q11.2.
Variant type: single nucleotide variant.
Coding change: c.3514C>T on transcript NM_000257.4 (MANE Select); coding-DNA position 3514, C replaced by T.
Protein change: p.Gln1172Ter; replaces glutamine 1172 with a stop codon.
Molecular consequence: nonsense.
Genome position (GRCh38, 1-based): chr14:23,420,057, G>A on the plus strand (C>T on the coding strand, the complement: MYH7 is on the minus strand). VCF-style: chr14-23420057-G-A. GRCh37 (hg19) VCF-style: chr14-23889266-G-A.
Other names: c.3514C>T, p.Gln1172Ter (NM_001407004.1); short protein forms Q1172*.
Identifiers: ClinVar variation 3893748 (VCV003893748.1).
Genomic context (GRCh38, chr14:23,420,057, plus strand): 5'-GGGCCGCGGCAGTGGCCTCGTGCTGCAGCGTGGCCTCCTCCAGGTCCCGCCGCATCTTCT[G>A]GAACTCGGCCTCGCGCTTCTTGTTCATCTCGATCTGCACGGACGTGGCCCCGCCGGCCTC-3'